The following is an entry in ClinVar:

NM_006218.4(PIK3CA):c.1070G>A (p.Arg357Gln)

Gene: PIK3CA (phosphatidylinositol-4,5-bisphosphate 3-kinase catalytic subunit alpha; plus strand). Cytogenetic location: 3q26.32.
Variant type: single nucleotide variant.
Coding change: c.1070G>A on transcript NM_006218.4 (MANE Select); coding-DNA position 1070, G replaced by A.
Protein change: p.Arg357Gln; replaces arginine 357 with glutamine.
Molecular consequence: missense variant.
Genome position (GRCh38, 1-based): chr3:179,204,513, G>A. VCF-style: chr3-179204513-G-A. GRCh37 (hg19) VCF-style: chr3-178922301-G-A.
Other names: short protein forms R357Q.
Identifiers: ClinVar variation 4833019 (VCV004833019.1).

ClinVar aggregate classification (germline): Uncertain significance (1 of 4 stars; one submission).

Conditions:
Inborn genetic diseases. Identifiers: MedGen C0950123, MeSH D030342.

gnomAD v4.1: 1 of 1,557,842 alleles (0.000064%); highest among the groups gnomAD compares: Non-Finnish European, 0.000089%; no homozygotes.

Submission:

Ambry Genetics
Classification: Uncertain significance for Inborn genetic diseases. Last evaluated: 2025-12-16. Review status: criteria provided, single submitter. Criteria: Ambry Variant Classification Scheme 2023. Collection method: clinical testing. Allele origin: germline.
Comment: The c.1070G>A (p.R357Q) alteration is located in exon 6 (coding exon 5) of the PIK3CA gene. This alteration results from a G to A substitution at nucleotide position 1070, causing the arginine (R) at amino acid position 357 to be replaced by a glutamine (Q). This variant was not reported in population-based cohorts in the Genome Aggregation Database (gnomAD). This amino acid position is highly conserved in available vertebrate species. This alteration is predicted to be deleterious by in silico analysis. Based on insufficient or conflicting evidence, the clinical significance of this alteration remains unclear.